The following is an entry in ClinVar:

ClinVar aggregate classification (germline): Uncertain significance (1 of 4 stars; one submission).

Conditions:
Congenital myopathy with internal nuclei and atypical cores. Also called: Myopathy, centronuclear, 4. Identifiers: Orphanet 319160, MedGen C4707232, MONDO:0013890, OMIM 614807.

Allele frequency attached by ClinVar (database versions not stated): gnomAD 0.00002.
gnomAD v4.1: 10 of 1,612,242 alleles (0.00062%); highest among the groups gnomAD compares: Admixed American, 0.0017%; no homozygotes.

Submission:

Labcorp Genetics (formerly Invitae), Labcorp
Classification: Uncertain significance for Congenital myopathy with internal nuclei and atypical cores. Last evaluated: 2021-08-29. Review status: criteria provided, single submitter. Criteria: Invitae Variant Classification Sherloc (09022015). Collection method: clinical testing. Allele origin: germline.
Comment: This sequence change replaces serine with asparagine at codon 425 of the CCDC78 protein (p.Ser425Asn). The serine residue is moderately conserved and there is a small physicochemical difference between serine and asparagine. This variant is not present in population databases (ExAC no frequency). This variant has not been reported in the literature in individuals affected with CCDC78-related conditions. Algorithms developed to predict the effect of missense changes on protein structure and function output the following: SIFT: "Tolerated"; PolyPhen-2: "Not Available"; Align-GVGD: "Class C0". The asparagine amino acid residue is found in multiple mammalian species, which suggests that this missense change does not adversely affect protein function. In summary, the available evidence is currently insufficient to determine the role of this variant in disease. Therefore, it has been classified as a Variant of Uncertain Significance.

NM_001378030.1(CCDC78):c.1278G>A (p.Glu426=)

Gene: CCDC78 (coiled-coil domain containing 78; minus strand). Cytogenetic location: 16p13.3.
Variant type: single nucleotide variant.
Coding change: c.1278G>A on transcript NM_001378030.1 (MANE Select); coding-DNA position 1278, G replaced by A.
Protein change: p.Glu426=; no amino-acid change (glutamic acid 426 retained).
Molecular consequence: synonymous variant. On other transcripts: missense variant (1), non-coding transcript variant (5).
Genome position (GRCh38, 1-based): chr16:722,945, C>T on the plus strand (G>A on the coding strand, the complement: CCDC78 is on the minus strand). VCF-style: chr16-722945-C-T. GRCh37 (hg19) VCF-style: chr16-772945-C-T.
Other names: c.1274G>A, p.Ser425Asn (NM_001031737.3); c.1098G>A, p.Glu366= (NM_001378031.1); c.711G>A, p.Glu237= (NM_001378033.1); short protein forms S425N.
Identifiers: ClinVar variation 1378086 (VCV001378086.6), dbSNP rs773837439, ClinGen allele CA394097438.